The following is an entry in ClinVar:

ClinVar aggregate classification (germline): Uncertain significance (1 of 4 stars; one submission).

Submission:

GeneDx
Classification: Uncertain significance. Last evaluated: 2024-08-10. Review status: criteria provided, single submitter. Criteria: GeneDx Variant Classification Process June 2021. Collection method: clinical testing. Allele origin: germline. Affected: yes.
Comment: Not observed at significant frequency in large population cohorts (gnomAD); In silico analysis supports a deleterious effect on splicing; Has not been previously published as pathogenic or benign to our knowledge

NM_001127222.2(CACNA1A):c.6339+3A>C

Gene: CACNA1A (calcium voltage-gated channel subunit alpha1 A; minus strand). Cytogenetic location: 19p13.13.
Variant type: single nucleotide variant.
Coding change: c.6339+3A>C on transcript NM_001127222.2 (MANE Select); 3 bases into the intron after coding-DNA position 6339, A replaced by C.
Molecular consequence: intron variant.
Genome position (GRCh38, 1-based): chr19:13,210,614, T>G on the plus strand (A>C on the coding strand, the complement: CACNA1A is on the minus strand). VCF-style: chr19-13210614-T-G. GRCh37 (hg19) VCF-style: chr19-13321428-T-G.
Other names: c.6342+3A>C (NM_001127221.2); c.6348+3A>C (NM_001174080.2); c.6357+3A>C (NM_000068.4, NM_023035.3).
Identifiers: ClinVar variation 3603234 (VCV003603234.1).